The following is an entry in ClinVar:

NM_002230.4(JUP):c.1990G>A (p.Val664Met)

Gene: JUP (junction plakoglobin; minus strand). Cytogenetic location: 17q21.2.
Variant type: single nucleotide variant.
Coding change: c.1990G>A on transcript NM_002230.4 (MANE Select); coding-DNA position 1990, G replaced by A.
Protein change: p.Val664Met; replaces valine 664 with methionine.
Molecular consequence: missense variant.
Genome position (GRCh38, 1-based): chr17:41,757,471, C>T on the plus strand (G>A on the coding strand, the complement: JUP is on the minus strand). VCF-style: chr17-41757471-C-T. GRCh37 (hg19) VCF-style: chr17-39913723-C-T.
Other names: c.1990G>A, p.Val664Met (NM_001352773.2, NM_001352774.2, NM_001352775.2 and 3 more transcripts); short protein forms V664M.
Identifiers: ClinVar variation 662884 (VCV000662884.5), dbSNP rs782695128, ClinGen allele CA8565054.

ClinVar aggregate classification (germline): Uncertain significance. Review status: criteria provided, multiple submitters, no conflicts (2 of 4 stars). 3 submissions from 3 submitters: Uncertain significance (3). Last evaluated 2024-02-26.

Conditions:
Cardiovascular phenotype. Identifiers: MedGen CN230736.
Arrhythmogenic right ventricular dysplasia 12. Also called: ARRHYTHMOGENIC RIGHT VENTRICULAR DYSPLASIA, FAMILIAL, 12. Identifiers: MedGen C1969081, MONDO:0012684, OMIM 611528.
Naxos disease (NXD). Also called: WOOLLY HAIR, PALMOPLANTAR KERATODERMA, AND CARDIAC ABNORMALITIES; CARDIOMYOPATHY, ARRHYTHMOGENIC RIGHT VENTRICULAR, WITH SKIN, HAIR, AND NAIL ABNORMALITIES; KERATOSIS PALMOPLANTARIS WITH ARRHYTHMOGENIC CARDIOMYOPATHY; MAL DE NAXOS; PALMOPLANTAR KERATODERMA WITH ARRHYTHMOGENIC RIGHT VENTRICULAR CARDIOMYOPATHY AND WOOLLY HAIR. Identifiers: Orphanet 34217, MedGen C1832600, MONDO:0011017, OMIM 601214.

Allele frequency attached by ClinVar (database versions not stated): ExAC 0.00001; gnomAD 0.00001; gnomAD exomes 0.00001; TOPMed 0.00002.

Submissions (3):

Ambry Genetics
Classification: Uncertain significance for Cardiovascular phenotype. Last evaluated: 2024-02-26. Review status: criteria provided, single submitter. Criteria: Ambry Variant Classification Scheme 2023. Collection method: clinical testing. Allele origin: germline.
Comment: The p.V664M variant (also known as c.1990G>A), located in coding exon 11 of the JUP gene, results from a G to A substitution at nucleotide position 1990. The valine at codon 664 is replaced by methionine, an amino acid with highly similar properties. This amino acid position is conserved. In addition, this alteration is predicted to be tolerated by in silico analysis. Since supporting evidence is limited at this time, the clinical significance of this alteration remains unclear.

Labcorp Genetics (formerly Invitae), Labcorp
Classification: Uncertain significance for Arrhythmogenic right ventricular dysplasia 12; Naxos disease. Last evaluated: 2023-11-17. Review status: criteria provided, single submitter. Criteria: Invitae Variant Classification Sherloc (09022015). Collection method: clinical testing. Allele origin: germline.
Comment: This sequence change replaces valine, which is neutral and non-polar, with methionine, which is neutral and non-polar, at codon 664 of the JUP protein (p.Val664Met). This variant is present in population databases (rs782695128, gnomAD 0.004%). This variant has not been reported in the literature in individuals affected with JUP-related conditions. ClinVar contains an entry for this variant (Variation ID: 662884). An algorithm developed to predict the effect of missense changes on protein structure and function (PolyPhen-2) suggests that this variant¬†is likely to be tolerated. In summary, the available evidence is currently insufficient to determine the role of this variant in disease. Therefore, it has been classified as a Variant of Uncertain Significance.

Department of Pathology and Laboratory Medicine, Sinai Health System
Classification: Uncertain significance for Naxos disease; Arrhythmogenic right ventricular dysplasia 12. Last evaluated: 2021-11-08. Review status: criteria provided, single submitter. Criteria: ACMG Guidelines, 2015. Collection method: research. Allele origin: germline.